The following is an entry in ClinVar:

ClinVar aggregate classification (germline): Uncertain significance (1 of 4 stars; one submission).

gnomAD v4.1: 2 of 1,614,014 alleles (0.00012%); highest among the groups gnomAD compares: Non-Finnish European, 0.00017%; no homozygotes.

Submission:

GeneDx
Classification: Uncertain significance. Last evaluated: 2025-03-06. Review status: criteria provided, single submitter. Criteria: GeneDx Variant Classification Process June 2021. Collection method: clinical testing. Allele origin: germline. Affected: yes.
Comment: Not observed at significant frequency in large population cohorts (gnomAD); In silico analysis supports that this missense variant has a deleterious effect on protein structure/function; Has not been previously published as pathogenic or benign to our knowledge

NM_004247.4(EFTUD2):c.785G>A (p.Arg262Gln)

Gene: EFTUD2 (elongation factor Tu GTP binding domain containing 2; minus strand). Cytogenetic location: 17q21.31.
Variant type: single nucleotide variant.
Coding change: c.785G>A on transcript NM_004247.4 (MANE Select); coding-DNA position 785, G replaced by A.
Protein change: p.Arg262Gln; replaces arginine 262 with glutamine.
Molecular consequence: missense variant.
Genome position (GRCh38, 1-based): chr17:44,876,018, C>T on the plus strand (G>A on the coding strand, the complement: EFTUD2 is on the minus strand). VCF-style: chr17-44876018-C-T. GRCh37 (hg19) VCF-style: chr17-42953386-C-T.
Other names: c.680G>A, p.Arg227Gln (NM_001142605.2); c.785G>A, p.Arg262Gln (NM_001258353.2); c.755G>A, p.Arg252Gln (NM_001258354.2); short protein forms R227Q, R252Q, R262Q.
Identifiers: ClinVar variation 4082707 (VCV004082707.1).